The following is an entry in ClinVar:

ClinVar aggregate classification (germline): Uncertain significance (1 of 4 stars; one submission).

Submission:

Labcorp Genetics (formerly Invitae), Labcorp
Classification: Uncertain significance. Last evaluated: 2025-08-04. Review status: criteria provided, single submitter. Criteria: Invitae Variant Classification Sherloc (09022015). Collection method: clinical testing. Allele origin: germline.
Comment: This sequence change replaces threonine, which is neutral and polar, with methionine, which is neutral and non-polar, at codon 359 of the ACTN4 protein (p.Thr359Met). This variant is not present in population databases (gnomAD no frequency). This missense change has been observed in individual(s) with focal segmental glomerulosclerosis (PMID: 36176665). Invitae Evidence Modeling of protein sequence and biophysical properties (such as structural, functional, and spatial information, amino acid conservation, physicochemical variation, residue mobility, and thermodynamic stability) indicates that this missense variant is expected to disrupt ACTN4 protein function with a positive predictive value of 80%. In summary, the available evidence is currently insufficient to determine the role of this variant in disease. Therefore, it has been classified as a Variant of Uncertain Significance.

Literature cited by the submitters: PubMed 36176665.

NM_004924.6(ACTN4):c.1076C>T (p.Thr359Met)

Gene: ACTN4 (actinin alpha 4; plus strand). Cytogenetic location: 19q13.2.
Variant type: single nucleotide variant.
Coding change: c.1076C>T on transcript NM_004924.6 (MANE Select); coding-DNA position 1076, C replaced by T.
Protein change: p.Thr359Met; replaces threonine 359 with methionine.
Molecular consequence: missense variant.
Genome position (GRCh38, 1-based): chr19:38,717,249, C>T. VCF-style: chr19-38717249-C-T. GRCh37 (hg19) VCF-style: chr19-39207889-C-T.
Other names: c.1076C>T, p.Thr359Met (NM_001322033.2, NM_001411143.1, NM_001440296.1 and 2 more transcripts); c.824C>T, p.Thr275Met (NM_001440299.1); short protein forms T275M, T359M.
Identifiers: ClinVar variation 4807622 (VCV004807622.1).